The following is an entry in ClinVar:

NM_032776.3(JMJD1C):c.4061T>C (p.Ile1354Thr)

Gene: JMJD1C (jumonji domain containing 1C; minus strand). Cytogenetic location: 10q21.3.
Variant type: single nucleotide variant.
Coding change: c.4061T>C on transcript NM_032776.3 (MANE Select); coding-DNA position 4061, T replaced by C.
Protein change: p.Ile1354Thr; replaces isoleucine 1354 with threonine.
Molecular consequence: missense variant. On other transcripts: non-coding transcript variant (1).
Genome position (GRCh38, 1-based): chr10:63,207,608, A>G on the plus strand (T>C on the coding strand, the complement: JMJD1C is on the minus strand). VCF-style: chr10-63207608-A-G. GRCh37 (hg19) VCF-style: chr10-64967368-A-G.
Other names: c.3515T>C, p.Ile1172Thr (NM_001282948.2, NM_001318154.2); c.3197T>C, p.Ile1066Thr (NM_001318153.2); c.3947T>C, p.Ile1316Thr (NM_001322252.2); c.3404T>C, p.Ile1135Thr (NM_001322254.2, NM_001322258.2); short protein forms I1066T, I1316T, I1135T, I1172T, I1354T.
Identifiers: ClinVar variation 1435469 (VCV001435469.6), dbSNP rs774811837, ClinGen allele CA5518333.

ClinVar aggregate classification (germline): Uncertain significance (1 of 4 stars; one submission).

Conditions:
Early Myoclonic Encephalopathy. Identifiers: MedGen C0270855.

Allele frequency attached by ClinVar (database versions not stated): TOPMed 0.00003; gnomAD exomes 0.00008 and 0.00004; gnomAD 0.00004; ExAC 0.00007.
gnomAD v4.1: 66 of 1,613,988 alleles (0.0041%); highest among the groups gnomAD compares: Non-Finnish European, 0.0038%; no homozygotes.

Submission:

Labcorp Genetics (formerly Invitae), Labcorp
Classification: Uncertain significance for Early Myoclonic Encephalopathy. Last evaluated: 2025-10-13. Review status: criteria provided, single submitter. Criteria: Invitae Variant Classification Sherloc (09022015). Collection method: clinical testing. Allele origin: germline.
Comment: This sequence change replaces isoleucine, which is neutral and non-polar, with threonine, which is neutral and polar, at codon 1354 of the JMJD1C protein (p.Ile1354Thr). This variant is present in population databases (rs774811837, gnomAD 0.03%). This variant has not been reported in the literature in individuals affected with JMJD1C-related conditions. ClinVar contains an entry for this variant (Variation ID: 1435469). Invitae Evidence Modeling of protein sequence and biophysical properties (such as structural, functional, and spatial information, amino acid conservation, physicochemical variation, residue mobility, and thermodynamic stability) indicates that this missense variant is not expected to disrupt JMJD1C protein function with a negative predictive value of 80%. In summary, the available evidence is currently insufficient to determine the role of this variant in disease. Therefore, it has been classified as a Variant of Uncertain Significance.